The following is an entry in ClinVar:

NM_001174089.2(SLC4A11):c.577C>T (p.Arg193Trp)

Gene: SLC4A11 (solute carrier family 4 member 11; minus strand). Cytogenetic location: 20p13.
Variant type: single nucleotide variant.
Coding change: c.577C>T on transcript NM_001174089.2 (MANE Select); coding-DNA position 577, C replaced by T.
Protein change: p.Arg193Trp; replaces arginine 193 with tryptophan.
Molecular consequence: missense variant. On other transcripts: non-coding transcript variant (1).
Genome position (GRCh38, 1-based): chr20:3,233,949, G>A on the plus strand (C>T on the coding strand, the complement: SLC4A11 is on the minus strand). VCF-style: chr20-3233949-G-A. GRCh37 (hg19) VCF-style: chr20-3214595-G-A.
Other names: c.706C>T, p.Arg236Trp (NM_001174090.2); c.577C>T, p.Arg193Trp (NM_001363745.2); c.625C>T, p.Arg209Trp (NM_032034.4); short protein forms R236W, R193W, R209W.
Identifiers: ClinVar variation 1416458 (VCV001416458.6), dbSNP rs566507872, ClinGen allele CA9742229.

ClinVar aggregate classification (germline): Pathogenic (1 of 4 stars; one submission).

Submission:

Labcorp Genetics (formerly Invitae), Labcorp
Classification: Pathogenic. Last evaluated: 2024-03-12. Review status: criteria provided, single submitter. Criteria: Invitae Variant Classification Sherloc (09022015). Collection method: clinical testing. Allele origin: germline.
Comment: This sequence change replaces arginine, which is basic and polar, with tryptophan, which is neutral and slightly polar, at codon 209 of the SLC4A11 protein (p.Arg209Trp). This variant is present in population databases (rs566507872, gnomAD 0.006%). This missense change has been observed in individuals with congenital hereditary endothelial dystrophy (PMID: 17679935, 31323090, 31420327). It has also been observed to segregate with disease in related individuals. ClinVar contains an entry for this variant (Variation ID: 1416458). Advanced modeling of protein sequence and biophysical properties (such as structural, functional, and spatial information, amino acid conservation, physicochemical variation, residue mobility, and thermodynamic stability) has been performed at Invitae for this missense variant, however the output from this modeling did not meet the statistical confidence thresholds required to predict the impact of this variant on SLC4A11 protein function. Experimental studies have shown that this missense change affects SLC4A11 function (PMID: 29327391). For these reasons, this variant has been classified as Pathogenic.

Literature cited by the submitters: PubMed 17679935; PubMed 31323090; PubMed 31420327; PubMed 29327391.